The following is an entry in ClinVar:

ClinVar aggregate classification (germline): Benign/Likely benign. Review status: criteria provided, multiple submitters, no conflicts (2 of 4 stars). 7 submissions from 7 submitters: Benign (5); Likely benign (1). 1 of the submissions does not count toward it. Last evaluated 2026-02-04.

Conditions:
Glycogen storage disease due to muscle beta-enolase deficiency (GSD13). Also called: Glycogen Storage Disease Type XIII; ENOLASE 3 DEFICIENCY; ENOLASE-BETA DEFICIENCY; GSD XIII. Identifiers: Orphanet 99849, MedGen C2752027, MONDO:0013046, OMIM 612932.

Allele frequency attached by ClinVar (database versions not stated): 1000 Genomes Project 0.30391; 1000 Genomes Project 30x 0.30981; TOPMed 0.41824; gnomAD 0.42544 and 0.43006; ESP Exome Variant Server 0.45010; ExAC 0.46061; gnomAD exomes 0.46122.
gnomAD v4.1: 842,741 of 1,613,872 alleles (52%); highest among the groups gnomAD compares: Non-Finnish European, 58%; 231,358 homozygotes.

Submissions (7):

Labcorp Genetics (formerly Invitae), Labcorp
Classification: Benign for Glycogen storage disease due to muscle beta-enolase deficiency. Last evaluated: 2026-02-04. Review status: criteria provided, single submitter. Criteria: Invitae Variant Classification Sherloc (09022015). Collection method: clinical testing. Allele origin: germline.

Blueprint Genetics
Classification: Likely benign. Last evaluated: 2024-11-28. Review status: criteria provided, single submitter. Criteria: ACMG Guidelines, 2015. Collection method: clinical testing. Allele origin: germline.

Genome-Nilou Lab
Classification: Benign for Glycogen storage disease due to muscle beta-enolase deficiency. Last evaluated: 2021-07-30. Review status: criteria provided, single submitter. Criteria: ACMG Guidelines, 2015. Collection method: clinical testing. Allele origin: germline. Affected: no.

Illumina Laboratory Services, Illumina
Classification: Benign for Glycogen storage disease due to muscle beta-enolase deficiency. Last evaluated: 2018-01-12. Review status: criteria provided, single submitter. Criteria: ICSL Variant Classification Criteria 13 December 2019. Collection method: clinical testing. Allele origin: germline.
Comment: This variant was observed in the ICSL laboratory as part of a predisposition screen in an ostensibly healthy population. It had not been previously curated by ICSL or reported in the Human Gene Mutation Database (HGMD: prior to June 1st, 2018), and was therefore a candidate for classification through an automated scoring system. Utilizing variant allele frequency, disease prevalence and penetrance estimates, and inheritance mode, an automated score was calculated to assess if this variant is too frequent to cause the disease. Based on the score and internal cut-off values, a variant classified as benign is not then subjected to further curation. The score for this variant resulted in a classification of benign for this disease.

GeneDx
Classification: Benign. Last evaluated: 2015-12-02. Review status: criteria provided, single submitter. Criteria: GeneDx Variant Classification (06012015). Collection method: clinical testing. Allele origin: germline. Affected: yes.
Comment: This variant is considered likely benign or benign based on one or more of the following criteria: it is a conservative change, it occurs at a poorly conserved position in the protein, it is predicted to be benign by multiple in silico algorithms, and/or has population frequency not consistent with disease.

Breakthrough Genomics
Classification: Benign. Review status: criteria provided, single submitter. Criteria: ACMG Guidelines, 2015. Collection method: not provided. Allele origin: germline. Inheritance: Autosomal recessive inheritance. Affected: yes.

Mayo Clinic Laboratories, Mayo Clinic
Classification: Benign. Last evaluated: 2015-10-19. Review status: no assertion criteria provided. Collection method: clinical testing. Allele origin: unknown. Not counted in ClinVar's aggregate classification.

NM_053013.4(ENO3):c.254T>C (p.Val85Ala)

Gene: ENO3 (enolase 3; plus strand). Cytogenetic location: 17p13.2.
Variant type: single nucleotide variant.
Coding change: c.254T>C on transcript NM_053013.4 (MANE Select); coding-DNA position 254, T replaced by C.
Protein change: p.Val85Ala; replaces valine 85 with alanine.
Molecular consequence: missense variant. On other transcripts: intron variant (1).
Genome position (GRCh38, 1-based): chr17:4,953,285, T>C. VCF-style: chr17-4953285-T-C. GRCh37 (hg19) VCF-style: chr17-4856580-T-C.
Other names: c.254T>C, p.Val85Ala (NM_001976.5); c.181+395T>C (NM_001193503.2); short protein forms V85A.
Identifiers: ClinVar variation 324138 (VCV000324138.22), dbSNP rs238239, ClinGen allele CA8316234.